The following is an entry in ClinVar:

NM_004656.4(BAP1):c.687C>G (p.Asn229Lys)

Gene: BAP1 (BRCA1 associated deubiquitinase 1; minus strand). Cytogenetic location: 3p21.1.
Variant type: single nucleotide variant.
Coding change: c.687C>G on transcript NM_004656.4 (MANE Select); coding-DNA position 687, C replaced by G.
Protein change: p.Asn229Lys; replaces asparagine 229 with lysine.
Molecular consequence: missense variant. On other transcripts: intron variant (1).
Genome position (GRCh38, 1-based): chr3:52,406,349, G>C on the plus strand (C>G on the coding strand, the complement: BAP1 is on the minus strand). VCF-style: chr3-52406349-G-C. GRCh37 (hg19) VCF-style: chr3-52440365-G-C.
Other names: c.660-27C>G (NM_001410772.1); short protein forms N229K.
Identifiers: ClinVar variation 4856269 (VCV004856269.1).

ClinVar aggregate classification (germline): Likely pathogenic (1 of 4 stars; one submission).

Conditions:
Kury-Isidor syndrome (KURIS). Identifiers: MedGen C5676925, MONDO:0859230, OMIM 619762.

Submission:

3billion
Classification: Likely pathogenic for Kury-Isidor syndrome. Last evaluated: 2025-11-10. Review status: criteria provided, single submitter. Criteria: ACMG Guidelines, 2015. Collection method: clinical testing. Allele origin: germline. Affected: yes.
Comment: The variant is not observed in the gnomAD v4.1.0 dataset. Predicted Consequence/Location: Missense variant. The majority of the known disease-causing variants of this gene are variants expected to result in premature termination of the protein. In silico tool predictions suggest damaging effect of the variant on gene or gene product [3Cnet: 0.99 (> 0.75, sensitivity 0.96 and precision 0.92)]. The different nucleotide change resulting in the same amino acid change has been previously reported as pathogenic/likely pathogenic with strong evidence (ClinVar ID: VCV002429331). Therefore, this variant is classified as Likely pathogenic according to the recommendation of ACMG/AMP guideline.